The following is an entry in ClinVar:

NM_000079.4(CHRNA1):c.32G>A (p.Ser11Asn)

Gene: CHRNA1 (cholinergic receptor nicotinic alpha 1 subunit; minus strand). Cytogenetic location: 2q31.1.
Variant type: single nucleotide variant.
Coding change: c.32G>A on transcript NM_000079.4 (MANE Select); coding-DNA position 32, G replaced by A.
Protein change: p.Ser11Asn; replaces serine 11 with asparagine.
Molecular consequence: missense variant.
Genome position (GRCh38, 1-based): chr2:174,764,363, C>T on the plus strand (G>A on the coding strand, the complement: CHRNA1 is on the minus strand). VCF-style: chr2-174764363-C-T. GRCh37 (hg19) VCF-style: chr2-175629091-C-T.
Other names: c.32G>A, p.Ser11Asn (NM_001039523.3); short protein forms S11N.
Identifiers: ClinVar variation 3609480 (VCV003609480.2).

ClinVar aggregate classification (germline): Uncertain significance (1 of 4 stars; one submission).

Conditions:
Lethal multiple pterygium syndrome (LMPS). Identifiers: Orphanet 33108, MedGen C1854678, MONDO:0009668, OMIM 253290.

gnomAD v4.1: 42 of 1,613,550 alleles (0.0026%); highest among the groups gnomAD compares: Non-Finnish European, 0.0035%; no homozygotes.

Submission:

Labcorp Genetics (formerly Invitae), Labcorp
Classification: Uncertain significance for Lethal multiple pterygium syndrome. Last evaluated: 2024-06-01. Review status: criteria provided, single submitter. Criteria: Invitae Variant Classification Sherloc (09022015). Collection method: clinical testing. Allele origin: germline.
Comment: This sequence change replaces serine, which is neutral and polar, with asparagine, which is neutral and polar, at codon 11 of the CHRNA1 protein (p.Ser11Asn). This variant is present in population databases (rs144897150, gnomAD 0.002%). This variant has not been reported in the literature in individuals affected with CHRNA1-related conditions. Advanced modeling of protein sequence and biophysical properties (such as structural, functional, and spatial information, amino acid conservation, physicochemical variation, residue mobility, and thermodynamic stability) performed at Invitae indicates that this missense variant is not expected to disrupt CHRNA1 protein function with a negative predictive value of 95%. In summary, the available evidence is currently insufficient to determine the role of this variant in disease. Therefore, it has been classified as a Variant of Uncertain Significance.